The following is an entry in ClinVar:

ClinVar aggregate classification (germline): Uncertain significance (1 of 4 stars; one submission).

Allele frequency attached by ClinVar (database versions not stated): gnomAD exomes below 0.00001; gnomAD 0.00001; TOPMed 0.00001.

Submission:

Labcorp Genetics (formerly Invitae), Labcorp
Classification: Uncertain significance. Last evaluated: 2022-10-13. Review status: criteria provided, single submitter. Criteria: Invitae Variant Classification Sherloc (09022015). Collection method: clinical testing. Allele origin: germline.
Comment: This variant has not been reported in the literature in individuals affected with MAPKAPK3-related conditions. In summary, the available evidence is currently insufficient to determine the role of this variant in disease. Therefore, it has been classified as a Variant of Uncertain Significance. Algorithms developed to predict the effect of sequence changes on RNA splicing suggest that this variant may disrupt the consensus splice site. ClinVar contains an entry for this variant (Variation ID: 1393555). This variant is not present in population databases (gnomAD no frequency). This sequence change falls in intron 5 of the MAPKAPK3 gene. It does not directly change the encoded amino acid sequence of the MAPKAPK3 protein.

NM_001243925.2(MAPKAPK3):c.360-9del

Gene: MAPKAPK3 (MAPK activated protein kinase 3; plus strand). Cytogenetic location: 3p21.2.
Variant type: Deletion.
Coding change: c.360-9del on transcript NM_001243925.2 (MANE Select); 9 bases into the intron before coding-DNA position 360, one base deleted (C; older notation c.360-9delC).
Molecular consequence: intron variant.
Genome position (GRCh38, 1-based): chr3:50,641,698, C deleted. VCF-style (leftmost placement, unchanged base first): chr3-50641697-TC-T. GRCh37 (hg19) VCF-style: chr3-50679128-TC-T.
Other names: c.360-9del (NM_001243926.2, NM_004635.5).
Identifiers: ClinVar variation 1393555 (VCV001393555.8), dbSNP rs1272138048, ClinGen allele CA907911464.